The following is an entry in ClinVar:

NM_175634.3(RUNX1T1):c.465A>G (p.Leu155=)

Gene: RUNX1T1 (RUNX1 partner transcriptional co-repressor 1; minus strand). Cytogenetic location: 8q21.3.
Variant type: single nucleotide variant.
Coding change: c.465A>G on transcript NM_175634.3 (MANE Select); coding-DNA position 465, A replaced by G.
Protein change: p.Leu155=; no amino-acid change (leucine 155 retained).
Molecular consequence: synonymous variant.
Genome position (GRCh38, 1-based): chr8:92,014,582, T>C on the plus strand (A>G on the coding strand, the complement: RUNX1T1 is on the minus strand). VCF-style: chr8-92014582-T-C. GRCh37 (hg19) VCF-style: chr8-93026810-T-C.
Other names: c.384A>G, p.Leu128= (NM_001198625.2, NM_001198632.2, NM_004349.4); c.465A>G, p.Leu155= (NM_001198626.2, NM_001198627.2, NM_001198628.2 and 3 more transcripts); c.405A>G, p.Leu135= (NM_001198633.2); c.498A>G, p.Leu166= (NM_001198634.2); c.642A>G, p.Leu214= (NM_001198679.3); c.549A>G, p.Leu183= (NM_001395209.1); c.354A>G, p.Leu118= (NM_175635.3, NM_175636.2); c.642A>G (NM_001198679.1).
Identifiers: ClinVar variation 719616 (VCV000719616.7), dbSNP rs34991280, ClinGen allele CA4806155.

ClinVar aggregate classification (germline): Benign. Review status: criteria provided, single submitter (1 of 4 stars). 2 submissions from 2 submitters: Benign (1). 1 of the submissions does not count toward it. Last evaluated 2019-12-31.

Conditions:
RUNX1T1-related disorder. Also called: RUNX1T1-related condition.

Allele frequency attached by ClinVar (database versions not stated): 1000 Genomes Project 30x 0.00016; gnomAD exomes 0.00103 and 0.00199; TOPMed 0.00110; gnomAD 0.00108 and 0.00102; ESP Exome Variant Server 0.00108; ExAC 0.00109.
gnomAD v4.1: 2,993 of 1,599,748 alleles (0.19%); highest among the groups gnomAD compares: Non-Finnish European, 0.24%; 3 homozygotes.

Submissions (2):

Labcorp Genetics (formerly Invitae), Labcorp
Classification: Benign. Last evaluated: 2019-12-31. Review status: criteria provided, single submitter. Criteria: Invitae Variant Classification Sherloc (09022015). Collection method: clinical testing. Allele origin: germline.

PreventionGenetics, part of Exact Sciences
Classification: Likely benign for RUNX1T1-related condition. Last evaluated: 2019-08-22. Review status: no assertion criteria provided. Collection method: clinical testing. Allele origin: germline. Not counted in ClinVar's aggregate classification.
Comment: This variant is classified as likely benign based on ACMG/AMP sequence variant interpretation guidelines (Richards et al. 2015 PMID: 25741868, with internal and published modifications).